The following is an entry in ClinVar:

ClinVar aggregate classification (germline): Uncertain significance (1 of 4 stars; one submission).

Conditions:
Familial adenomatous polyposis 1 (FAP1). Also called: FAMILIAL ADENOMATOUS POLYPOSIS 1, ATTENUATED; POLYPOSIS, ADENOMATOUS INTESTINAL. Identifiers: MedGen C2713442, MONDO:0021056, OMIM 175100. Disease mechanism: loss of function.

Allele frequency attached by ClinVar (database versions not stated): gnomAD 0.00001; gnomAD exomes 0.00001; TOPMed 0.00001.
gnomAD v4.1: 5 of 1,370,524 alleles (0.00036%); highest among the groups gnomAD compares: East Asian, 0.0034%; no homozygotes.

Submission:

Labcorp Genetics (formerly Invitae), Labcorp
Classification: Uncertain significance for Familial adenomatous polyposis 1. Last evaluated: 2025-08-17. Review status: criteria provided, single submitter. Criteria: Invitae Variant Classification Sherloc (09022015). Collection method: clinical testing. Allele origin: germline.
Comment: This variant occurs in a non-coding region of the APC gene. It does not change the encoded amino acid sequence of the APC protein. This variant is present in population databases (no rsID available, gnomAD 0.01%). This variant has not been reported in the literature in individuals affected with APC-related conditions. ClinVar contains an entry for this variant (Variation ID: 537658). Experimental studies and prediction algorithms are not available or were not evaluated, and the functional significance of this variant is currently unknown. In summary, the available evidence is currently insufficient to determine the role of this variant in disease. Therefore, it has been classified as a Variant of Uncertain Significance.

NM_001127511.3(APC):c.66C>T (p.Leu22=)

Gene: APC (APC regulator of Wnt signaling pathway; plus strand). Cytogenetic location: 5q22.2.
Variant type: single nucleotide variant.
Coding change: c.66C>T on transcript NM_001127511.3; coding-DNA position 66, C replaced by T.
Protein change: p.Leu22=; no amino-acid change (leucine 22 retained).
Molecular consequence: synonymous variant. On other transcripts: 5 prime UTR variant (8), non-coding transcript variant (1), intron variant (5).
Genome position (GRCh38, 1-based): chr5:112,707,783, C>T. VCF-style: chr5-112707783-C-T. GRCh37 (hg19) VCF-style: chr5-112043480-C-T.
Other names: c.66C>T, p.Leu22= (NM_001354902.2, NM_001407446.1, NM_001354897.2); c.-118C>T (NM_001407447.1, NM_001407452.1, NM_001407456.1 and 3 more transcripts); c.-1153C>T (NM_001407470.1, NM_001407472.1); c.-19+134C>T (NM_001407448.1, NM_001407450.1, NM_001407457.1 and 1 more transcripts); c.-43+134C>T (NM_001407453.1).
Identifiers: ClinVar variation 537658 (VCV000537658.12), dbSNP rs1422300065, ClinGen allele CA561890281.
Genomic context (GRCh38, chr5:112,707,783, plus strand): 5'-CGCCTCCCTGGGCTCGGGTCCGGTCGCCCCTTTGCCCGCTTCTGTACCACCCTCAGTTCT[C>T]GGGTCCTGGAGCACCGGCGGCAGCAGGAGCTGCGTCCGGCAGGAGACGAAGAGCCCGGGC-3'